The following is an entry in ClinVar:

ClinVar aggregate classification (germline): Uncertain significance (0 of 4 stars; one submission).

Conditions:
PCNT-related disorder. Also called: PCNT-related condition.

Submission:

PreventionGenetics, part of Exact Sciences
Classification: Uncertain significance for PCNT-related condition. Last evaluated: 2024-06-05. Review status: no assertion criteria provided. Collection method: clinical testing. Allele origin: germline.
Comment: The PCNT c.574C>A variant is predicted to result in the amino acid substitution p.Pro192Thr. To our knowledge, this variant has not been reported in the literature or in a large population database, indicating this variant is rare. At this time, the clinical significance of this variant is uncertain due to the absence of conclusive functional and genetic evidence.

NM_006031.6(PCNT):c.574C>A (p.Pro192Thr)

Gene: PCNT (pericentrin; plus strand). Cytogenetic location: 21q22.3.
Variant type: single nucleotide variant.
Coding change: c.574C>A on transcript NM_006031.6 (MANE Select); coding-DNA position 574, C replaced by A.
Protein change: p.Pro192Thr; replaces proline 192 with threonine.
Molecular consequence: missense variant.
Genome position (GRCh38, 1-based): chr21:46,334,703, C>A. VCF-style: chr21-46334703-C-A. GRCh37 (hg19) VCF-style: chr21-47754617-C-A.
Other names: c.220C>A, p.Pro74Thr (NM_001315529.2); short protein forms P192T, P74T.
Identifiers: ClinVar variation 3354542 (VCV003354542.1).